The following is an entry in ClinVar:

NM_001267550.2(TTN):c.31753C>G (p.Pro10585Ala)

Gene: TTN (titin; minus strand). Cytogenetic location: 2q31.2.
Variant type: single nucleotide variant.
Coding change: c.31753C>G on transcript NM_001267550.2 (MANE Select); coding-DNA position 31753, C replaced by G.
Protein change: p.Pro10585Ala; replaces proline 10585 with alanine.
Molecular consequence: missense variant. On other transcripts: intron variant (3).
Genome position (GRCh38, 1-based): chr2:178,692,025, G>C on the plus strand (C>G on the coding strand, the complement: TTN is on the minus strand). VCF-style: chr2-178692025-G-C. GRCh37 (hg19) VCF-style: chr2-179556752-G-C.
Other names: c.30802C>G, p.Pro10268Ala (NM_001256850.1); c.28021C>G, p.Pro9341Ala (NM_133378.4); c.13282+46057C>G (NM_003319.4); c.13858+46057C>G (NM_133437.4); c.13657+46057C>G (NM_133432.3); short protein forms P10268A, P10585A, P9341A.
Identifiers: ClinVar variation 1199224 (VCV001199224.5), dbSNP rs2154280079, ClinGen allele CA349558882.
Genomic context (GRCh38, chr2:178,692,025, plus strand): 5'-AAAGGCTGGCACTTGGAGCAAAGAGTCTCCCCATCATTGGCTCTGGCGTACCTTTTGGGG[G>C]AGCAGCAGGTTCCTTCTTAGGCACAGGAACTGGCTTTTTCTCCTCTGGCACGGGTTTCTT-3'
Protein context (NP_001254479.2, residues 10575-10595): VPVPKKEPAA[Pro10585Ala]PKVPEVPKKP

ClinVar aggregate classification (germline): Uncertain significance (1 of 4 stars; one submission).

Conditions:
TTN-related myopathy. Identifiers: MedGen CN294812, MONDO:0100175.

Submission:

Illumina Laboratory Services, Illumina
Classification: Uncertain significance for TTN-related myopathy. Last evaluated: 2023-12-19. Review status: criteria provided, single submitter. Criteria: ISL SNV Classification Criteria 03 February 2026. Collection method: clinical testing. Allele origin: unknown.
Comment: The TTN c.31753C>G p.(Pro10585Ala) missense variant, has not, to our knowledge been reported in the peer reviewed literature. This variant is not observed in version 2.1.1 or version 4.0.0 of the Genome Aggregation Database. This variant is located in the PEVK-N region within the I band of the protein (PMID: 30804022). Multiple lines of computational evidence suggest the variant may not impact the gene or gene product. However, currently available in silico prediction tools may have limited utility in the assessment of missense variants in the TTN gene (PMID: 30804022). Based on the available evidence, the c.31753C>G p.(Pro10585Ala) variant is classified as a variant of uncertain significance for TTN-related myopathy.

Literature cited by the submitters: PubMed 33449170; PubMed 30804022.